The following is an entry in ClinVar:

ClinVar aggregate classification (germline): Conflicting classifications of pathogenicity. Review status: criteria provided, conflicting classifications (1 of 4 stars). 3 submissions from 3 submitters: Uncertain significance (2); Likely benign (1). Last evaluated 2023-11-02.

Conditions:
Delayed puberty. Identifiers: MedGen C0034012, HP:0000823.
Isolated cerebellar hypoplasia/agenesis (CHEGDD). Also called: Cerebellar hypoplasia/atrophy, epilepsy, and global developmental delay. Identifiers: Orphanet 1398, Orphanet 2246, MedGen C5231391, MONDO:0008939, OMIM 213000.
Microcephaly. Also called: Microcephaly (disease). Identifiers: MedGen C4551563, MONDO:0001149, HP:0000252.
Small for gestational age. Also called: Low birth weight. Identifiers: MedGen C0235991, HP:0001518.
Partial agenesis of the corpus callosum (PACC). Also called: Partial agenesis of corpus callosum; Severe intellectual retardation and intractable seizures. Identifiers: MedGen C0431368, HP:0001338.
High palate. Identifiers: MedGen C0240635, HP:0000218.
Abnormal cortical gyration. Identifiers: MedGen C1856019, HP:0002536.
Hypoglycemic encephalopathy. Identifiers: MedGen C0149877, HP:0006929.
Periventricular cysts. Identifiers: MedGen C1839858, HP:0007109.
Charcot-Marie-Tooth disease axonal type 2O. Also called: Charcot-Marie-Tooth Neuropathy Type 2O; Charcot-Marie-Tooth disease, axonal, type 20; CHARCOT-MARIE-TOOTH NEUROPATHY, AXONAL, TYPE 2O; CHARCOT-MARIE-TOOTH DISEASE, AXONAL, AUTOSOMAL DOMINANT, TYPE 2O. Identifiers: Orphanet 284232, MedGen C3280220, MONDO:0013644, OMIM 614228.

Allele frequency attached by ClinVar (database versions not stated): gnomAD exomes below 0.00001.
gnomAD v4.1: 1 of 1,613,840 alleles (0.000062%); highest among the groups gnomAD compares: Non-Finnish European, 0.000085%; no homozygotes.

Submissions (3):

Labcorp Genetics (formerly Invitae), Labcorp
Classification: Uncertain significance for Charcot-Marie-Tooth disease axonal type 2O. Last evaluated: 2023-11-02. Review status: criteria provided, single submitter. Criteria: Invitae Variant Classification Sherloc (09022015). Collection method: clinical testing. Allele origin: germline.
Comment: This sequence change replaces proline, which is neutral and non-polar, with leucine, which is neutral and non-polar, at codon 2547 of the DYNC1H1 protein (p.Pro2547Leu). This variant is not present in population databases (gnomAD no frequency). This variant has not been reported in the literature in individuals affected with DYNC1H1-related conditions. ClinVar contains an entry for this variant (Variation ID: 374086). Advanced modeling of protein sequence and biophysical properties (such as structural, functional, and spatial information, amino acid conservation, physicochemical variation, residue mobility, and thermodynamic stability) performed at Invitae indicates that this missense variant is not expected to disrupt DYNC1H1 protein function with a negative predictive value of 95%. In summary, the available evidence is currently insufficient to determine the role of this variant in disease. Therefore, it has been classified as a Variant of Uncertain Significance.

Revvity Omics, Revvity
Classification: Uncertain significance. Last evaluated: 2022-05-13. Review status: criteria provided, single submitter. Criteria: ACMG Guidelines, 2015. Collection method: clinical testing. Allele origin: germline.

Centre for Mendelian Genomics, University Medical Centre Ljubljana
Classification: Likely benign for Abnormal cortical gyration; Cerebellar hypoplasia; Delayed puberty; High palate; Hypoglycemic encephalopathy; Microcephaly; Partial agenesis of the corpus callosum; Periventricular cysts; Small for gestational age. Last evaluated: 2015-08-07. Review status: criteria provided, single submitter. Criteria: ACMG Guidelines, 2015. Collection method: clinical testing. Allele origin: unknown. Affected: yes.

NM_001376.5(DYNC1H1):c.7640C>T (p.Pro2547Leu)

Gene: DYNC1H1 (dynein cytoplasmic 1 heavy chain 1; plus strand). Cytogenetic location: 14q32.31.
Variant type: single nucleotide variant.
Coding change: c.7640C>T on transcript NM_001376.5 (MANE Select); coding-DNA position 7640, C replaced by T.
Protein change: p.Pro2547Leu; replaces proline 2547 with leucine.
Molecular consequence: missense variant.
Genome position (GRCh38, 1-based): chr14:102,016,791, C>T. VCF-style: chr14-102016791-C-T. GRCh37 (hg19) VCF-style: chr14-102483128-C-T.
Other names: short protein forms P2547L.
Identifiers: ClinVar variation 374086 (VCV000374086.10), dbSNP rs1057518888, ClinGen allele CA16043480.
Genomic context (GRCh38, chr14:102,016,791, plus strand): 5'-TGCAGCCGGACTCACACTTCCATCTCCGTGTGTAGGTGTCCATCAGCGGAGAATGGTCTC[C>T]GTGGCAGGCCAAGGTGCCTCAGATTGAAGTGGAGACGCACAAGGTGGCAGCCCCTGATGT-3'
Protein context (NP_001367.2, residues 2537-2557): YEVSISGEWS[Pro2547Leu]WQAKVPQIEV